The following is an entry in ClinVar:

NM_001393504.1(MAST3):c.399G>A (p.Ser133=)

Genes: MAST3 (microtubule associated serine/threonine kinase 3; plus strand), LOC126862876 (BRD4-independent group 4 enhancer GRCh37_chr19:18232970-18234169; plus strand). Cytogenetic location: 19p13.11.
Variant type: single nucleotide variant.
Coding change: c.399G>A on transcript NM_001393504.1 (MANE Select); coding-DNA position 399, G replaced by A.
Protein change: p.Ser133=; no amino-acid change (serine 133 retained).
Molecular consequence: synonymous variant.
Genome position (GRCh38, 1-based): chr19:18,122,751, G>A. VCF-style: chr19-18122751-G-A. GRCh37 (hg19) VCF-style: chr19-18233561-G-A.
Other names: c.423G>A, p.Ser141= (NM_001393501.1); c.402G>A, p.Ser134= (NM_001393502.1); c.399G>A, p.Ser133= (NM_001393503.1); c.396G>A, p.Ser132= (NM_001393505.1); c.351G>A, p.Ser117= (NM_001393506.1, NM_001393513.1); c.378G>A, p.Ser126= (NM_001393507.1); c.333G>A, p.Ser111= (NM_001393508.1, NM_001393516.1); c.330G>A, p.Ser110= (NM_001393509.1, NM_001393510.1, NM_001393512.1 and 2 more transcripts); and 4 more.
Identifiers: ClinVar variation 4976334 (VCV004976334.1).

ClinVar aggregate classification (germline): Uncertain significance (1 of 4 stars; one submission).

Submission:

GeneDx
Classification: Uncertain significance. Last evaluated: 2026-02-09. Review status: criteria provided, single submitter. Criteria: GeneDx Variant Classification Process June 2021. Collection method: clinical testing. Allele origin: germline.
Comment: Not observed at significant frequency in large population cohorts (gnomAD); In silico analysis supports a deleterious effect on splicing; Has not been previously published as pathogenic or benign to our knowledge